The following is an entry in ClinVar:

ClinVar aggregate classification (germline): Pathogenic. Review status: criteria provided, single submitter (1 of 4 stars). 2 submissions from 2 submitters: Pathogenic (1). 1 of the submissions does not count toward it. Last evaluated 2020-09-10.

Conditions:
Intellectual developmental disorder, autosomal dominant 63, with macrocephaly. Also called: MENTAL RETARDATION, AUTOSOMAL DOMINANT 63, WITH MACROCEPHALY. Identifiers: MedGen C5394205, MONDO:0032939, OMIM 618825.

Submissions (2):

SIB Swiss Institute of Bioinformatics
Classification: Pathogenic for Intellectual developmental disorder, autosomal dominant 63, with macrocephaly. Last evaluated: 2020-09-10. Review status: criteria provided, single submitter. Criteria: ACMG Guidelines, 2015. Collection method: curation. Allele origin: unknown.
Comment: This variant is interpreted as pathogenic for Intellectual developmental disorder, autosomal dominant 63, with macrocephaly. The following ACMG Tag(s) were applied: Absent from controls (or at extremely low frequency if recessive) in Exome Sequencing Project, 1000 Genomes Project, or Exome Aggregation Consortium (PM2); De novo (paternity and maternity confirmed) (PS2); Missense variant in a gene that has a low rate of benign missense variation and in which missense variants are a common mechanism of disease (PP2); Multiple lines of computational evidence support a deleterious effect on the gene or gene product (PP3); Novel missense change at an amino acid residue where a different missense change determined to be pathogenic has been seen before (PM5); Well-established functional studies show a deleterious effect (PS3 downgraded to moderate).

OMIM
Classification: Pathogenic for INTELLECTUAL DEVELOPMENTAL DISORDER, AUTOSOMAL DOMINANT 63, WITH MACROCEPHALY. Last evaluated: 2020-03-31. Review status: no assertion criteria provided. Collection method: literature only. Allele origin: germline. Not counted in ClinVar's aggregate classification.

Literature cited by the submitters: PubMed 32109419 (cited by SIB Swiss Institute of Bioinformatics and OMIM).

NM_007118.4(TRIO):c.3232C>G (p.Arg1078Gly)

Gene: TRIO (trio Rho guanine nucleotide exchange factor; plus strand). Cytogenetic location: 5p15.2.
Variant type: single nucleotide variant.
Coding change: c.3232C>G on transcript NM_007118.4 (MANE Select); coding-DNA position 3232, C replaced by G.
Protein change: p.Arg1078Gly; replaces arginine 1078 with glycine.
Molecular consequence: missense variant. On other transcripts: non-coding transcript variant (1).
Genome position (GRCh38, 1-based): chr5:14,374,244, C>G. VCF-style: chr5-14374244-C-G. GRCh37 (hg19) VCF-style: chr5-14374353-C-G.
Other names: short protein forms R1078G.
Identifiers: ClinVar variation 830226 (VCV000830226.2), dbSNP rs1554065887, ClinGen allele CA359218464.